The following is an entry in ClinVar:

ClinVar aggregate classification (germline): Uncertain significance (1 of 4 stars; one submission).

Conditions:
Perlman syndrome (PRLMNS). Identifiers: Orphanet 2849, MedGen C0796113, MONDO:0009965, OMIM 267000.

Submission:

Labcorp Genetics (formerly Invitae), Labcorp
Classification: Uncertain significance for Perlman syndrome. Last evaluated: 2021-04-23. Review status: criteria provided, single submitter. Criteria: Invitae Variant Classification Sherloc (09022015). Collection method: clinical testing. Allele origin: germline.
Comment: This variant has not been reported in the literature in individuals with DIS3L2-related conditions. This sequence change replaces alanine with glycine at codon 23 of the DIS3L2 protein (p.Ala23Gly). The alanine residue is weakly conserved and there is a small physicochemical difference between alanine and glycine. This variant is not present in population databases (ExAC no frequency). Algorithms developed to predict the effect of missense changes on protein structure and function output the following: SIFT: "Tolerated"; PolyPhen-2: "Benign"; Align-GVGD: "Class C0". The glycine amino acid residue is found in multiple mammalian species, suggesting that this missense change does not adversely affect protein function. These predictions have not been confirmed by published functional studies and their clinical significance is uncertain. In summary, the available evidence is currently insufficient to determine the role of this variant in disease. Therefore, it has been classified as a Variant of Uncertain Significance.

NM_152383.5(DIS3L2):c.68C>G (p.Ala23Gly)

Gene: DIS3L2 (DIS3 like 3'-5' exoribonuclease 2; plus strand). Cytogenetic location: 2q37.1.
Variant type: single nucleotide variant.
Coding change: c.68C>G on transcript NM_152383.5 (MANE Select); coding-DNA position 68, C replaced by G.
Protein change: p.Ala23Gly; replaces alanine 23 with glycine.
Molecular consequence: missense variant. On other transcripts: non-coding transcript variant (2).
Genome position (GRCh38, 1-based): chr2:232,015,529, C>G. VCF-style: chr2-232015529-C-G. GRCh37 (hg19) VCF-style: chr2-232880239-C-G.
Other names: c.68C>G, p.Ala23Gly (NM_001257281.2, NM_001257282.2); short protein forms A23G.
Identifiers: ClinVar variation 1485286 (VCV001485286.8), dbSNP rs1004734586, ClinGen allele CA351151838.